The following is an entry in ClinVar:

ClinVar aggregate classification (germline): Pathogenic (1 of 4 stars; one submission).

Conditions:
Congenital microcephaly - severe encephalopathy - progressive cerebral atrophy syndrome. Also called: ASNS DEFICIENCY; Asparagine synthetase deficiency. Identifiers: Orphanet 391376, MedGen C3809971, MONDO:0014258, OMIM 615574.

Submission:

Myriad Genetics, Inc.
Classification: Pathogenic for Congenital microcephaly - severe encephalopathy - progressive cerebral atrophy syndrome. Last evaluated: 2025-09-23. Review status: criteria provided, single submitter. Criteria: Myriad Autosomal Dominant, Autosomal Recessive and X-Linked Classification Criteria (2023). Collection method: clinical testing. Allele origin: unknown.
Comment: NM_001673.4(ASNS):c.216_217delCT(C73Lfs*4) is a frameshift variant classified as pathogenic in the context of asparagine synthetase deficiency. C73Lfs*4 has not been observed in cases with relevant disease. Relevant functional assessments of this variant are not available in the literature. C73Lfs*4 has not been observed in referenced population frequency databases. In summary, NM_001673.4(ASNS):c.216_217delCT(C73Lfs*4) is a frameshift variant in a gene where loss of function is a known mechanism of disease and is predicted to disrupt protein function. Please note: this variant was assessed in the context of healthy population screening.

NM_001673.5(ASNS):c.216_217del (p.Cys73fs)

Genes: ASNS (asparagine synthetase (glutamine-hydrolyzing); minus strand), CZ1P-ASNS (CZ1P-ASNS readthrough; minus strand). Cytogenetic location: 7q21.3.
Variant type: Microsatellite.
Coding change: c.216_217del on transcript NM_001673.5 (MANE Select); coding-DNA positions 216 to 217, 2 bases deleted (CT; older notation c.216_217delCT).
Protein change: p.Cys73fs; shifts the reading frame from cysteine 73.
Molecular consequence: frameshift variant. On other transcripts: non-coding transcript variant (1), intron variant (2).
Genome position (GRCh38, 1-based): chr7:97,868,940-97,868,941, AG deleted on the plus strand (CT on the coding strand, the reverse complement: ASNS is on the minus strand); deleting any 2 consecutive bases within chr7:97,868,940-97,868,943 gives the same sequence; the c. name uses the placement nearest the transcript's 3' end. VCF-style (leftmost placement, unchanged base first): chr7-97868939-CAG-C. GRCh37 (hg19) VCF-style: chr7-97498251-CAG-C.
Other names: c.153_154del, p.Cys52fs (NM_001178075.2); c.216_217del, p.Cys73fs (NM_001352496.2, NM_133436.3, NM_183356.4); c.-1+3410_-1+3411del (NM_001178076.2); c.-1+3100_-1+3101del (NM_001178077.1); short protein forms C52fs, C73fs.
Identifiers: ClinVar variation 5004182 (VCV005004182.1).